The following is an entry in ClinVar:

NM_000238.4(KCNH2):c.-4C>T

Gene: KCNH2 (potassium voltage-gated channel subfamily H member 2; minus strand). Cytogenetic location: 7q36.1.
Variant type: single nucleotide variant.
Coding change: c.-4C>T on transcript NM_000238.4 (MANE Select); 4 bases upstream of the start codon, C replaced by T.
Molecular consequence: 5 prime UTR variant. On other transcripts: non-coding transcript variant (1).
Genome position (GRCh38, 1-based): chr7:150,977,917, G>A on the plus strand (C>T on the coding strand, the complement: KCNH2 is on the minus strand). VCF-style: chr7-150977917-G-A. GRCh37 (hg19) VCF-style: chr7-150675005-G-A.
Other names: c.-4C>T (NM_172056.3).
Identifiers: ClinVar variation 3287580 (VCV003287580.1).

ClinVar aggregate classification (germline): Uncertain significance (1 of 4 stars; one submission).

Conditions:
Cardiovascular phenotype. Identifiers: MedGen CN230736.

Submission:

Ambry Genetics
Classification: Uncertain significance for Cardiovascular phenotype. Last evaluated: 2024-05-30. Review status: criteria provided, single submitter. Criteria: Ambry Variant Classification Scheme 2023. Collection method: clinical testing. Allele origin: germline.
Comment: The c.-4C>T variant is located in the 5' untranslated region (5&rsquo; UTR) of the KCNH2 gene. This variant results from a C to T substitution 4 bases upstream from the first translated codon. This alteration has been reported in a sudden unexplained death cohort (Jim&eacute;nez-J&aacute;imez J et al. Rev Esp Cardiol (Engl Ed), 2017 Oct;70:808-816). This nucleotide position is highly conserved in available vertebrate species. Based on the available evidence, the clinical significance of this variant remains unclear.

Literature cited by the submitters: PubMed 28566242.